The following is an entry in ClinVar:

NM_014516.4(CNOT3):c.1313C>T (p.Ala438Val)

Gene: CNOT3 (CCR4-NOT transcription complex subunit 3; plus strand). Cytogenetic location: 19q13.42.
Variant type: single nucleotide variant.
Coding change: c.1313C>T on transcript NM_014516.4 (MANE Select); coding-DNA position 1313, C replaced by T.
Protein change: p.Ala438Val; replaces alanine 438 with valine.
Molecular consequence: missense variant.
Genome position (GRCh38, 1-based): chr19:54,148,650, C>T. VCF-style: chr19-54148650-C-T. GRCh37 (hg19) VCF-style: chr19-54652385-C-T.
Other names: c.1313C>T (NM_014516.3); short protein forms A438V.
Identifiers: ClinVar variation 2869214 (VCV002869214.4), dbSNP rs774905572, ClinGen allele CA309339741.

ClinVar aggregate classification (germline): Uncertain significance. Review status: criteria provided, multiple submitters, no conflicts (2 of 4 stars). 2 submissions from 2 submitters: Uncertain significance (2). Last evaluated 2025-08-09.

Conditions:
Inborn genetic diseases. Identifiers: MedGen C0950123, MeSH D030342.

Allele frequency attached by ClinVar (database versions not stated): ExAC 0.00001; gnomAD 0.00001; TOPMed 0.00001.
gnomAD v4.1: 25 of 1,610,618 alleles (0.0016%); highest among the groups gnomAD compares: Non-Finnish European, 0.002%; no homozygotes.

Submissions (2):

Ambry Genetics
Classification: Uncertain significance for Inborn genetic diseases. Last evaluated: 2025-08-09. Review status: criteria provided, single submitter. Criteria: Ambry Variant Classification Scheme 2023. Collection method: clinical testing. Allele origin: germline.

Labcorp Genetics (formerly Invitae), Labcorp
Classification: Uncertain significance. Last evaluated: 2023-12-09. Review status: criteria provided, single submitter. Criteria: Invitae Variant Classification Sherloc (09022015). Collection method: clinical testing. Allele origin: germline.
Comment: This sequence change replaces alanine, which is neutral and non-polar, with valine, which is neutral and non-polar, at codon 438 of the CNOT3 protein (p.Ala438Val). This variant is present in population databases (rs774905572, gnomAD 0.004%). This variant has not been reported in the literature in individuals affected with CNOT3-related conditions. An algorithm developed to predict the effect of missense changes on protein structure and function (PolyPhen-2) suggests that this variant is likely to be tolerated. In summary, the available evidence is currently insufficient to determine the role of this variant in disease. Therefore, it has been classified as a Variant of Uncertain Significance.